The following is an entry in ClinVar:

ClinVar aggregate classification (germline): Pathogenic. Review status: reviewed by expert panel (3 of 4 stars). 13 submissions from 13 submitters: Pathogenic (1). 12 of the submissions do not count toward it. Last evaluated 2024-02-20.

Conditions:
Retinitis pigmentosa (RP). Identifiers: Orphanet 791, MedGen C0035334, MeSH D012174, MONDO:0019200, OMIM 268000. Inheritance: Autosomal dominant, autosomal recessive and X linked inheritance.
Leber congenital amaurosis 2 (LCA2). Also called: Autosomal Recessive RPE65-Related Retinal Degeneration; AMAUROSIS CONGENITA OF LEBER II. Identifiers: Orphanet 65, MedGen C1859844, MONDO:0008765, OMIM 204100. Disease mechanism: loss of function.
Retinal dystrophy. Also called: Inherited retinal dystrophy. Identifiers: Orphanet 71862, MedGen C0854723, MeSH D058499, MONDO:0019118, HP:0000556.
Retinitis pigmentosa 20 (RP20). Identifiers: Orphanet 791, MedGen C3151086, MONDO:0013425, OMIM 613794.
RPE65-related recessive retinopathy. Also called: Recessive RPE65 retinopathy. Identifiers: MedGen CN305526, MONDO:0100368.
RPE65-related disorder. Also called: RPE65-related condition; RPE65-related disorders. Identifiers: MedGen CN239301.
Leber congenital amaurosis (LCA). Also called: Leber's amaurosis. Identifiers: Orphanet 65, MedGen C0339527, MeSH D057130, MONDO:0018998.

Allele frequency attached by ClinVar (database versions not stated): gnomAD 0.00002; gnomAD exomes 0.00002; ExAC 0.00003; TOPMed 0.00004; ESP Exome Variant Server 0.00008.
gnomAD v4.1: 22 of 1,613,810 alleles (0.0014%); highest among the groups gnomAD compares: East Asian, 0.0022%; no homozygotes.

Submissions (13):

ClinGen Leber Congenital Amaurosis/early Onset Retinal Dystrophy Variant Curation Expert Panel, ClinGen
Classification: Pathogenic for RPE65-related recessive retinopathy. Last evaluated: 2024-02-20. Review status: reviewed by expert panel. Criteria: ClinGen LCAeoRD ACMG Specifications RPE65 V1.0.0. Collection method: curation. Allele origin: germline. Inheritance: Autosomal recessive inheritance.
Comment: NM_000329.3(RPE65):c.130C>T (p.Arg44Ter) is a nonsense variant that introduces a premature stop codon into exon 3 of 14, and is predicted to lead to nonsense-mediated decay in a gene in which loss-of-function is an established mechanism of disease (PVS1). At least one proband with early-onset severe retinal dystrophy and harboring this variant exhibits a phenotype including onset by age 1 (1 pt), ERG with extinguished responses from rods (0.5 pts) and cones (1 pts), nystagmus ( 1pt), and attenuated retinal blood vessels (0.5 pts), which together are specific for RPE65-related recessive retinopathy (4 points, PMID: 26626312, PP4). The variant is present in gnomAD v.2.1.1 at a Grpmax allele frequency of 0.00001685, with 7 alleles/129188 total alleles in the European non-Finnish population, which is lower than the ClinGen LCA/eoRD VCEP PM2_Supporting threshold of <0.0002 (PM2_Supporting). In summary, this variant meets the criteria to be classified as Pathogenic for RPE65-related recessive retinopathy based on the ACMG/AMP criteria applied, as specified by the ClinGen LCA/eoRD VCEP: PVS1, PP4, and PM2_Supporting. (VCEP specifications version 1.0.0; date of approval 09/21/2023).

Natera, Inc.
Classification: Pathogenic for Leber congenital amaurosis. Last evaluated: 2025-12-19. Review status: criteria provided, single submitter. Criteria: Natera Variant Classification Schema (03/2026). Collection method: clinical testing. Allele origin: germline. Not counted in ClinVar's aggregate classification.
Comment: The c.130C>T variant in RPE65 is a nonsense variant predicted to introduce a stop codon at amino acid 44. This variant is expected to result in nonsense mediated decay, truncation, or a dysfunctional protein product. This variant is rare in the general population with a frequency below the threshold expected for the associated phenotype(s). This variant has been observed in one or more individuals affected with the associated recessive disease, as either homozygous or compound heterozygous with a second variant (PMID: 30996589). Given the available evidence, this variant is classified as Pathogenic.

Labcorp Genetics (formerly Invitae), Labcorp
Classification: Pathogenic for Leber congenital amaurosis 2; Retinitis pigmentosa 20. Last evaluated: 2025-03-17. Review status: criteria provided, single submitter. Criteria: Invitae Variant Classification Sherloc (09022015). Collection method: clinical testing. Allele origin: germline. Not counted in ClinVar's aggregate classification.
Comment: This sequence change creates a premature translational stop signal (p.Arg44*) in the RPE65 gene. It is expected to result in an absent or disrupted protein product. Loss-of-function variants in RPE65 are known to be pathogenic (PMID: 9326941, 9501220, 9843205, 18632300). This variant is present in population databases (rs368088025, gnomAD 0.006%). This premature translational stop signal has been observed in individual(s) with autosomal recessive Leber congenital amaurosis (PMID: 26626312). ClinVar contains an entry for this variant (Variation ID: 374497). Algorithms developed to predict the effect of sequence changes on RNA splicing suggest that this variant may disrupt the consensus splice site. For these reasons, this variant has been classified as Pathogenic.

Genomic Medicine Center of Excellence, King Faisal Specialist Hospital and Research Centre
Classification: Pathogenic for Leber congenital amaurosis 2. Last evaluated: 2024-12-19. Review status: criteria provided, single submitter. Criteria: ACMG Guidelines, 2015. Collection method: clinical testing. Allele origin: germline. Not counted in ClinVar's aggregate classification.

Baylor Genetics
Classification: Pathogenic for Leber congenital amaurosis 2. Last evaluated: 2023-12-17. Review status: criteria provided, single submitter. Criteria: ACMG Guidelines, 2015. Collection method: clinical testing. Allele origin: unknown. Not counted in ClinVar's aggregate classification.

Dept Of Ophthalmology, Nagoya University
Classification: Pathogenic for Retinal dystrophy. Last evaluated: 2023-10-01. Review status: criteria provided, single submitter. Criteria: Submitter's publication. Collection method: research. Allele origin: germline. Affected: yes. Not counted in ClinVar's aggregate classification.

Victorian Clinical Genetics Services, Murdoch Childrens Research Institute
Classification: Pathogenic for Leber congenital amaurosis 2. Last evaluated: 2023-07-16. Review status: criteria provided, single submitter. Criteria: ACMG Guidelines, 2015. Collection method: clinical testing. Allele origin: germline. Inheritance: Autosomal recessive inheritance. Not counted in ClinVar's aggregate classification.
Comment: Based on the classification scheme VCGS_Germline_v1.3.4, this variant is classified as Pathogenic. Following criteria are met: 0102 - Loss of function is a known mechanism of disease in this gene and is associated with leber congenital amaurosis 2 (MIM#204100), retinitis pigmentosa 20 (MIM#613794), retinitis pigmentosa 87 with choroidal involvement (MIM#618697). (I) 0108 - This gene is associated with both recessive and dominant disease. This gene is predominant associated with recessive inheritance, and p.Asp447Gly is the variant reported for dominant retinitis pigmentosa 87 (OMIM). (I) 0201 - Variant is predicted to cause nonsense-mediated decay (NMD) and loss of protein (premature termination codon is located at least 54 nucleotides upstream of the final exon-exon junction). (SP) 0251 - This variant is heterozygous. (I) 0304 - Variant is present in gnomAD (v2) <0.01 (8 heterozygotes, 0 homozygotes). (SP) 0701 - Other NMD variants comparable to the one identified in this case have very strong previous evidence for pathogenicity (ClinVar). (SP) 0801 - This variant has strong previous evidence of pathogenicity in unrelated individuals. This variant has been reported in multiple homozygous or compound heterozygous individuals with leber congenital amaurosis 2 (ClinVar, PMID: 30996589). (SP) 1208 - Inheritance information for this variant is not currently available in this individual. (I) Legend: (SP) - Supporting pathogenic, (I) - Information, (SB) - Supporting benign

Institute of Human Genetics, Univ. Regensburg, Univ. Regensburg
Classification: Pathogenic for Retinal dystrophy. Last evaluated: 2023-01-01. Review status: criteria provided, single submitter. Criteria: ACMG Guidelines, 2015. Collection method: clinical testing. Allele origin: germline. Affected: yes. Not counted in ClinVar's aggregate classification.

Blueprint Genetics
Classification: Pathogenic for RPE65-related disorders. Last evaluated: 2022-05-08. Review status: criteria provided, single submitter. Criteria: ACMG Guidelines, 2015. Collection method: clinical testing. Allele origin: germline. Affected: yes. Observed: 5 variant alleles. Not counted in ClinVar's aggregate classification.

Genetics and Molecular Pathology, SA Pathology
Classification: Pathogenic for RPE65-related recessive retinopathy. Last evaluated: 2022-01-19. Review status: criteria provided, single submitter. Criteria: ACMG Guidelines, 2015. Collection method: clinical testing. Allele origin: germline. Affected: yes. Not counted in ClinVar's aggregate classification.

GeneDx
Classification: Pathogenic. Last evaluated: 2020-05-12. Review status: criteria provided, single submitter. Criteria: GeneDx Variant Classification Process June 2021. Collection method: clinical testing. Allele origin: germline. Affected: yes. Not counted in ClinVar's aggregate classification.
Comment: Nonsense variant predicted to result in protein truncation or nonsense mediated decay in a gene for which loss-of-function is a known mechanism of disease; This variant is associated with the following publications: (PMID: 31630094, 30996589, 30268864, 29178642, 15765048, 26626312, 24129572, 32067411)

CeGaT Center for Human Genetics Tuebingen
Classification: Likely pathogenic. Last evaluated: 2016-08-01. Review status: criteria provided, single submitter. Criteria: CeGaT Center For Human Genetics Tuebingen Variant Classification Criteria Version 2. Collection method: clinical testing. Allele origin: germline. Affected: yes. Observed: 1 variant allele. Not counted in ClinVar's aggregate classification.

Department of Clinical Genetics, Copenhagen University Hospital, Rigshospitalet
Classification: Likely pathogenic for Retinitis pigmentosa. Last evaluated: 2018-04-01. Review status: no assertion criteria provided. Collection method: research. Allele origin: unknown. Affected: yes. Study: VeluxRD. Not counted in ClinVar's aggregate classification.

Literature cited by the submitters: PubMed 30996589 (cited by 3 submitters); PubMed 9326941 (cited by Labcorp Genetics (formerly Invitae), Labcorp); PubMed 9501220 (cited by Labcorp Genetics (formerly Invitae), Labcorp); PubMed 9843205 (cited by Labcorp Genetics (formerly Invitae), Labcorp); PubMed 18632300 (cited by Labcorp Genetics (formerly Invitae), Labcorp); PubMed 26626312 (cited by Labcorp Genetics (formerly Invitae), Labcorp and Institute of Human Genetics, Univ. Regensburg, Univ. Regensburg); PubMed 29178642 (cited by Institute of Human Genetics, Univ. Regensburg, Univ. Regensburg); PubMed 30268864 (cited by Institute of Human Genetics, Univ. Regensburg, Univ. Regensburg); PubMed 31964843 (cited by Institute of Human Genetics, Univ. Regensburg, Univ. Regensburg); PubMed 32531858 (cited by Institute of Human Genetics, Univ. Regensburg, Univ. Regensburg); PubMed 31630094 (cited by Institute of Human Genetics, Univ. Regensburg, Univ. Regensburg); PubMed 34830511 (cited by Institute of Human Genetics, Univ. Regensburg, Univ. Regensburg); PubMed 35456422 (cited by Institute of Human Genetics, Univ. Regensburg, Univ. Regensburg); PubMed 30718709 (cited by Department of Clinical Genetics, Copenhagen University Hospital, Rigshospitalet).

NM_000329.3(RPE65):c.130C>T (p.Arg44Ter)

Gene: RPE65 (retinoid isomerohydrolase RPE65; minus strand). Cytogenetic location: 1p31.3.
Variant type: single nucleotide variant.
Coding change: c.130C>T on transcript NM_000329.3 (MANE Select); coding-DNA position 130, C replaced by T.
Protein change: p.Arg44Ter; replaces arginine 44 with a stop codon.
Molecular consequence: nonsense.
Genome position (GRCh38, 1-based): chr1:68,446,825, G>A on the plus strand (C>T on the coding strand, the complement: RPE65 is on the minus strand). VCF-style: chr1-68446825-G-A. GRCh37 (hg19) VCF-style: chr1-68912508-G-A.
Other names: NM_000329.3(RPE65):c.130C>T; p.Arg44Ter; short protein forms R44*.
Identifiers: ClinVar variation 374497 (VCV000374497.62), dbSNP rs368088025, ClinGen allele CA902588.